The following is an entry in ClinVar:

ClinVar aggregate classification (germline): Benign (1 of 4 stars; one submission).

Conditions:
Hyperekplexia 2 (HKPX2). Identifiers: Orphanet 3197, MedGen C3553291, MONDO:0013828, OMIM 614619.

Allele frequency attached by ClinVar (database versions not stated): TOPMed 0.00007; gnomAD 0.00049 and below 0.00001; 1000 Genomes Project 30x 0.00219; 1000 Genomes Project 0.00180.

Submission:

Illumina Laboratory Services, Illumina
Classification: Benign for Hyperekplexia 2. Last evaluated: 2018-01-12. Review status: criteria provided, single submitter. Criteria: ICSL Variant Classification Criteria 13 December 2019. Collection method: clinical testing. Allele origin: germline.
Comment: This variant was observed in the ICSL laboratory as part of a predisposition screen in an ostensibly healthy population. It had not been previously curated by ICSL or reported in the Human Gene Mutation Database (HGMD: prior to June 1st, 2018), and was therefore a candidate for classification through an automated scoring system. Utilizing variant allele frequency, disease prevalence and penetrance estimates, and inheritance mode, an automated score was calculated to assess if this variant is too frequent to cause the disease. Based on the score and internal cut-off values, a variant classified as benign is not then subjected to further curation. The score for this variant resulted in a classification of benign for this disease.

NM_000824.4(GLRB):c.-212G>A

Gene: GLRB (glycine receptor beta; plus strand). Cytogenetic location: 4q32.1.
Variant type: single nucleotide variant.
Coding change: c.-212G>A on transcript NM_000824.4; 212 bases upstream of the start codon, G replaced by A.
Genome position (GRCh38, 1-based): chr4:157,076,115, G>A. VCF-style: chr4-157076115-G-A. GRCh37 (hg19) VCF-style: chr4-157997267-G-A.
Identifiers: ClinVar variation 901218 (VCV000901218.6), dbSNP rs576292950, ClinGen allele CA109157276.